The following is an entry in ClinVar:

NM_006576.4(AVIL):c.1302G>A (p.Gly434=)

Gene: AVIL (advillin; minus strand). Cytogenetic location: 12q14.1.
Variant type: single nucleotide variant.
Coding change: c.1302G>A on transcript NM_006576.4 (MANE Select); coding-DNA position 1302, G replaced by A.
Protein change: p.Gly434=; no amino-acid change (glycine 434 retained).
Molecular consequence: synonymous variant.
Genome position (GRCh38, 1-based): chr12:57,807,620, C>T on the plus strand (G>A on the coding strand, the complement: AVIL is on the minus strand). VCF-style: chr12-57807620-C-T. GRCh37 (hg19) VCF-style: chr12-58201403-C-T.
Identifiers: ClinVar variation 3032549 (VCV003032549.2), dbSNP rs200838341, ClinGen allele CA6659876.
Genomic context (GRCh38, chr12:57,807,620, plus strand): 5'-ATCCAAAGCTGAAGCCTGTGCCAGGCCTACCTGCCAGATGTACAAGATGTGATGTGGCTT[C>T]CCATTTACCTCGTATGTGTAGAGGACCAGATAACAGTCTCCCCCATAAAAGAAGCCATAC-3'
Protein context (NP_006567.3, residues 424-444): YLVLYTYEVN[Gly434=]KPHHILYIWQ

ClinVar aggregate classification (germline): Likely benign (0 of 4 stars; one submission).

Conditions:
AVIL-related disorder. Also called: AVIL-related condition.

Allele frequency attached by ClinVar (database versions not stated): TOPMed 0.00005; gnomAD 0.00007; gnomAD exomes 0.00007; ExAC 0.00009; 1000 Genomes Project 30x 0.00016; 1000 Genomes Project 0.00020.
gnomAD v4.1: 107 of 1,614,254 alleles (0.0066%); highest among the groups gnomAD compares: Non-Finnish European, 0.0086%; no homozygotes.

Submission:

PreventionGenetics, part of Exact Sciences
Classification: Likely benign for AVIL-related condition. Last evaluated: 2023-02-17. Review status: no assertion criteria provided. Collection method: clinical testing. Allele origin: germline.
Comment: This variant is classified as likely benign based on ACMG/AMP sequence variant interpretation guidelines (Richards et al. 2015 PMID: 25741868, with internal and published modifications).